The following is an entry in ClinVar:

ClinVar aggregate classification (germline): Uncertain significance (1 of 4 stars; one submission).

Allele frequency attached by ClinVar (database versions not stated): gnomAD exomes below 0.00001; ExAC 0.00001; TOPMed 0.00001.
gnomAD v4.1: 1 of 1,613,992 alleles (0.000062%); highest among the groups gnomAD compares: Non-Finnish European, 0.000085%; no homozygotes.

Submission:

Labcorp Genetics (formerly Invitae), Labcorp
Classification: Uncertain significance. Last evaluated: 2023-10-29. Review status: criteria provided, single submitter. Criteria: Invitae Variant Classification Sherloc (09022015). Collection method: clinical testing. Allele origin: germline.
Comment: This sequence change replaces threonine, which is neutral and polar, with serine, which is neutral and polar, at codon 215 of the SGMS2 protein (p.Thr215Ser). This variant is present in population databases (rs767510721, gnomAD 0.003%). This variant has not been reported in the literature in individuals affected with SGMS2-related conditions. Advanced modeling of protein sequence and biophysical properties (such as structural, functional, and spatial information, amino acid conservation, physicochemical variation, residue mobility, and thermodynamic stability) performed at Invitae indicates that this missense variant is not expected to disrupt SGMS2 protein function with a negative predictive value of 80%. In summary, the available evidence is currently insufficient to determine the role of this variant in disease. Therefore, it has been classified as a Variant of Uncertain Significance.

NM_001375905.1(SGMS2):c.644C>G (p.Thr215Ser)

Genes: SGMS2 (sphingomyelin synthase 2; plus strand), CYP2U1-AS1 (CYP2U1 and SGMS2 antisense RNA 1; minus strand). Cytogenetic location: 4q25.
Variant type: single nucleotide variant.
Coding change: c.644C>G on transcript NM_001375905.1 (MANE Select); coding-DNA position 644, C replaced by G.
Protein change: p.Thr215Ser; replaces threonine 215 with serine.
Molecular consequence: missense variant.
Genome position (GRCh38, 1-based): chr4:107,903,303, C>G. VCF-style: chr4-107903303-C-G. GRCh37 (hg19) VCF-style: chr4-108824459-C-G.
Other names: c.644C>G, p.Thr215Ser (NM_001375908.1, NM_001375910.1, NM_152621.6 and 4 more transcripts); c.125C>G, p.Thr42Ser (NM_001375911.1); short protein forms T42S, T215S.
Identifiers: ClinVar variation 2794335 (VCV002794335.3), dbSNP rs767510721, ClinGen allele CA3036825.